The following is an entry in ClinVar:

NM_017617.5(NOTCH1):c.3095A>G (p.His1032Arg)

Gene: NOTCH1 (notch receptor 1; minus strand). Cytogenetic location: 9q34.3.
Variant type: single nucleotide variant.
Coding change: c.3095A>G on transcript NM_017617.5 (MANE Select); coding-DNA position 3095, A replaced by G.
Protein change: p.His1032Arg; replaces histidine 1032 with arginine.
Molecular consequence: missense variant.
Genome position (GRCh38, 1-based): chr9:136,508,946, T>C on the plus strand (A>G on the coding strand, the complement: NOTCH1 is on the minus strand). VCF-style: chr9-136508946-T-C. GRCh37 (hg19) VCF-style: chr9-139403398-T-C.
Other names: short protein forms H1032R.
Identifiers: ClinVar variation 851186 (VCV000851186.17), dbSNP rs1397562033, ClinGen allele CA375552792.
Genomic context (GRCh38, chr9:136,508,946, plus strand): 5'-GTGTAGCCCTGGGGGCAGGTGCACCTGTAGGAGCCGCAGCCGTCCTGACAGGTGCCGCCA[T>C]GCAGGCAGGGCTGTGAGTCGCACTCATTGACATCGTGCTGGCAGTAGCTGCCCGTGAAGC-3'
Protein context (NP_060087.3, residues 1022-1042): VNECDSQPCL[His1032Arg]GGTCQDGCGS

ClinVar aggregate classification (germline): Uncertain significance. Review status: criteria provided, multiple submitters, no conflicts (2 of 4 stars). 6 submissions from 5 submitters: Uncertain significance (6). Last evaluated 2023-06-16.

Conditions:
Familial thoracic aortic aneurysm and aortic dissection (TAAD). Also called: Thoracic aortic aneurysms and dissections. Identifiers: Orphanet 91387, MedGen C4707243, MONDO:0019625.
Aortic valve disease 1 (AOVD1). Identifiers: MedGen C3887892, MONDO:0024523, OMIM 109730.
Adams-Oliver syndrome 5 (AOS5). Identifiers: Orphanet 974, MedGen C4014970, MONDO:0014459, OMIM 616028.

Allele frequency attached by ClinVar (database versions not stated): TOPMed 0.00002; gnomAD 0.00001; gnomAD exomes 0.00002.
gnomAD v4.1: 29 of 1,550,858 alleles (0.0019%); highest among the groups gnomAD compares: Non-Finnish European, 0.002%; no homozygotes.

Submissions (6):

GeneDx
Classification: Uncertain significance. Last evaluated: 2023-06-16. Review status: criteria provided, single submitter. Criteria: GeneDx Variant Classification Process June 2021. Collection method: clinical testing. Allele origin: germline.
Comment: Has not been previously published as pathogenic or benign to our knowledge; Not observed at significant frequency in large population cohorts (gnomAD); In silico analysis supports that this missense variant does not alter protein structure/function

Genome-Nilou Lab
Classification: Uncertain significance for Adams-Oliver syndrome 5. Last evaluated: 2022-03-15. Review status: criteria provided, single submitter. Criteria: ACMG Guidelines, 2015. Collection method: clinical testing. Allele origin: germline. Affected: no.

Genome-Nilou Lab
Classification: Uncertain significance for Aortic valve disease 1. Last evaluated: 2022-03-15. Review status: criteria provided, single submitter. Criteria: ACMG Guidelines, 2015. Collection method: clinical testing. Allele origin: germline. Affected: no.

Ambry Genetics
Classification: Uncertain significance for Familial thoracic aortic aneurysm and aortic dissection. Last evaluated: 2021-11-09. Review status: criteria provided, single submitter. Criteria: Ambry Variant Classification Scheme 2023. Collection method: clinical testing. Allele origin: germline.
Comment: The p.H1032R variant (also known as c.3095A>G), located in coding exon 19 of the NOTCH1 gene, results from an A to G substitution at nucleotide position 3095. The histidine at codon 1032 is replaced by arginine, an amino acid with highly similar properties. This amino acid position is conserved. In addition, this alteration is predicted to be tolerated by in silico analysis. Since supporting evidence is limited at this time, the clinical significance of this alteration remains unclear.

Labcorp Genetics (formerly Invitae), Labcorp
Classification: Uncertain significance for Adams-Oliver syndrome 5. Last evaluated: 2019-04-11. Review status: criteria provided, single submitter. Criteria: Invitae Variant Classification Sherloc (09022015). Collection method: clinical testing. Allele origin: germline.
Comment: This sequence change replaces histidine with arginine at codon 1032 of the NOTCH1 protein (p.His1032Arg). The histidine residue is moderately conserved and there is a small physicochemical difference between histidine and arginine. This variant is not present in population databases (ExAC no frequency). This variant has not been reported in the literature in individuals with NOTCH1-related conditions. Algorithms developed to predict the effect of missense changes on protein structure and function are either unavailable or do not agree on the potential impact of this missense change (SIFT: "Tolerated"; PolyPhen-2: "Benign"; Align-GVGD: "Class C0"). In summary, the available evidence is currently insufficient to determine the role of this variant in disease. Therefore, it has been classified as a Variant of Uncertain Significance.

CHEO Genetics Diagnostic Laboratory, Children's Hospital of Eastern Ontario
Classification: Uncertain significance for Familial thoracic aortic aneurysm and aortic dissection. Last evaluated: 2018-03-19. Review status: criteria provided, single submitter. Criteria: ACMG Guidelines, 2015. Collection method: clinical testing. Allele origin: germline.